The following is an entry in ClinVar:

NM_000238.4(KCNH2):c.355G>A (p.Asp119Asn)

Gene: KCNH2 (potassium voltage-gated channel subfamily H member 2; minus strand). Cytogenetic location: 7q36.1.
Variant type: single nucleotide variant.
Coding change: c.355G>A on transcript NM_000238.4 (MANE Select); coding-DNA position 355, G replaced by A.
Protein change: p.Asp119Asn; replaces aspartic acid 119 with asparagine.
Molecular consequence: missense variant. On other transcripts: non-coding transcript variant (1).
Genome position (GRCh38, 1-based): chr7:150,959,689, C>T on the plus strand (G>A on the coding strand, the complement: KCNH2 is on the minus strand). VCF-style: chr7-150959689-C-T. GRCh37 (hg19) VCF-style: chr7-150656777-C-T.
Other names: c.67G>A, p.Asp23Asn (NM_001406753.1, NM_001406756.1); c.178G>A, p.Asp60Asn (NM_001406755.1); c.55G>A, p.Asp19Asn (NM_001406757.1); c.355G>A, p.Asp119Asn (NM_172056.3); short protein forms D119N, D19N, D23N, D60N.
Identifiers: ClinVar variation 4756483 (VCV004756483.1).

ClinVar aggregate classification (germline): Uncertain significance (1 of 4 stars; one submission).

Conditions:
Cardiac arrhythmia. Also called: Arrhythmia; Cardiac rhythm disease. Identifiers: MedGen C0003811, MONDO:0007263, HP:0011675.

Submission:

Color Diagnostics, LLC DBA Color Health
Classification: Uncertain significance for Cardiac arrhythmia. Last evaluated: 2025-09-15. Review status: criteria provided, single submitter. Criteria: ACMG Guidelines, 2015. Collection method: clinical testing. Allele origin: germline.
Comment: This missense variant replaces aspartic acid with asparagine at codon 119 of the KCNH2 protein. Computational prediction is inconclusive regarding the impact of this variant on protein structure and function. To our knowledge, functional studies have not been reported for this variant. This variant has not been reported in individuals affected with KCNH2-related disorders in the literature. This variant has not been identified in the general population by the Genome Aggregation Database (gnomAD). The available evidence is insufficient to determine the role of this variant in disease conclusively. Therefore, this variant is classified as a Variant of Uncertain Significance.